The following is an entry in ClinVar:

ClinVar aggregate classification (germline): Pathogenic (1 of 4 stars; one submission).

Conditions:
Immunodeficiency due to CD25 deficiency. Also called: IMMUNODEFICIENCY 41 WITH LYMPHOPROLIFERATION AND AUTOIMMUNITY; IL2RA DEFICIENCY; CD25 DEFICIENCY. Identifiers: Orphanet 169100, MedGen C1853392, MONDO:0011664, OMIM 606367.

Submission:

Labcorp Genetics (formerly Invitae), Labcorp
Classification: Pathogenic for Immunodeficiency due to CD25 deficiency. Last evaluated: 2024-09-27. Review status: criteria provided, single submitter. Criteria: Invitae Variant Classification Sherloc (09022015). Collection method: clinical testing. Allele origin: germline.
Comment: This sequence change creates a premature translational stop signal (p.Gly44*) in the IL2RA gene. It is expected to result in an absent or disrupted protein product. Loss-of-function variants in IL2RA are known to be pathogenic (PMID: 9096364, 17196245). This variant is not present in population databases (gnomAD no frequency). This variant has not been reported in the literature in individuals affected with IL2RA-related conditions. For these reasons, this variant has been classified as Pathogenic.

Literature cited by the submitters: PubMed 9096364; PubMed 17196245.

NM_000417.3(IL2RA):c.130G>T (p.Gly44Ter)

Gene: IL2RA (interleukin 2 receptor subunit alpha; minus strand). Cytogenetic location: 10p15.1.
Variant type: single nucleotide variant.
Coding change: c.130G>T on transcript NM_000417.3 (MANE Select); coding-DNA position 130, G replaced by T.
Protein change: p.Gly44Ter; replaces glycine 44 with a stop codon.
Molecular consequence: nonsense.
Genome position (GRCh38, 1-based): chr10:6,025,960, C>A on the plus strand (G>T on the coding strand, the complement: IL2RA is on the minus strand). VCF-style: chr10-6025960-C-A. GRCh37 (hg19) VCF-style: chr10-6067923-C-A.
Other names: c.130G>T, p.Gly44Ter (NM_001308242.2, NM_001308243.2); short protein forms G44*.
Identifiers: ClinVar variation 3721571 (VCV003721571.2).